The following is an entry in ClinVar:

NM_004360.5(CDH1):c.1448C>T (p.Ala483Val)

Gene: CDH1 (cadherin 1; plus strand). Cytogenetic location: 16q22.1.
Variant type: single nucleotide variant.
Coding change: c.1448C>T on transcript NM_004360.5 (MANE Select); coding-DNA position 1448, C replaced by T.
Protein change: p.Ala483Val; replaces alanine 483 with valine.
Molecular consequence: missense variant. On other transcripts: 5 prime UTR variant (2).
Genome position (GRCh38, 1-based): chr16:68,815,642, C>T. VCF-style: chr16-68815642-C-T. GRCh37 (hg19) VCF-style: chr16-68849545-C-T.
Other names: c.1265C>T, p.Ala422Val (NM_001317184.2); c.-101C>T (NM_001317185.2); c.-372C>T (NM_001317186.2); c.1448C>T (NM_004360.3); short protein forms A422V, A483V.
Identifiers: ClinVar variation 1040836 (VCV001040836.11), dbSNP rs1960964468, ClinGen allele CA396463063.

ClinVar aggregate classification (germline): Uncertain significance. Review status: criteria provided, multiple submitters, no conflicts (2 of 4 stars). 2 submissions from 2 submitters: Uncertain significance (2). Last evaluated 2024-05-25.

Conditions:
Hereditary diffuse gastric adenocarcinoma (HDGC). Also called: DIFFUSE GASTRIC AND LOBULAR BREAST CANCER SYNDROME. Identifiers: Orphanet 26106, MedGen C1708349, MONDO:0007648, OMIM 137215.
Hereditary cancer-predisposing syndrome. Also called: Hereditary neoplastic syndrome; Neoplastic Syndromes, Hereditary; Tumor predisposition; Hereditary Cancer Syndrome. Identifiers: Orphanet 140162, MedGen C0027672, MeSH D009386, MONDO:0015356.

Allele frequency attached by ClinVar (database versions not stated): gnomAD exomes below 0.00001.
gnomAD v4.1: 1 of 1,614,196 alleles (0.000062%); highest among the groups gnomAD compares: Non-Finnish European, 0.000085%; no homozygotes.

Submissions (2):

Ambry Genetics
Classification: Uncertain significance for Hereditary cancer-predisposing syndrome. Last evaluated: 2024-05-25. Review status: criteria provided, single submitter. Criteria: Ambry Variant Classification Scheme 2023. Collection method: clinical testing. Allele origin: germline.
Comment: The p.A483V variant (also known as c.1448C>T), located in coding exon 10 of the CDH1 gene, results from a C to T substitution at nucleotide position 1448. The alanine at codon 483 is replaced by valine, an amino acid with similar properties. This amino acid position is conserved. In addition, the in silico prediction for this alteration is inconclusive. Based on the available evidence, the clinical significance of this variant remains unclear.

Labcorp Genetics (formerly Invitae), Labcorp
Classification: Uncertain significance for Hereditary diffuse gastric adenocarcinoma. Last evaluated: 2020-01-24. Review status: criteria provided, single submitter. Criteria: Invitae Variant Classification Sherloc (09022015). Collection method: clinical testing. Allele origin: germline.
Comment: In summary, the available evidence is currently insufficient to determine the role of this variant in disease. Therefore, it has been classified as a Variant of Uncertain Significance. Algorithms developed to predict the effect of missense changes on protein structure and function are either unavailable or do not agree on the potential impact of this missense change (SIFT: "Tolerated"; PolyPhen-2: "Possibly Damaging"; Align-GVGD: "Class C25"). This variant has not been reported in the literature in individuals with CDH1-related conditions. This variant is not present in population databases (ExAC no frequency). This sequence change replaces alanine with valine at codon 483 of the CDH1 protein (p.Ala483Val). The alanine residue is highly conserved and there is a small physicochemical difference between alanine and valine.